The following is an entry in ClinVar:

ClinVar aggregate classification (germline): Pathogenic. Review status: criteria provided, multiple submitters, no conflicts (2 of 4 stars). 2 submissions from 2 submitters: Pathogenic (2). Last evaluated 2026-01-18.

Conditions:
Pheochromocytoma/paraganglioma syndrome 5. Also called: Paragangliomas 5; SDHA-Related Hereditary Paraganglioma-Pheochromocytoma Syndrome. Identifiers: Orphanet 29072, MedGen C3279992, MONDO:0013602, OMIM 614165.
Mitochondrial complex II deficiency, nuclear type 1. Also called: SUCCINATE CoQ REDUCTASE DEFICIENCY. Identifiers: Orphanet 3208, MedGen C5700310, MONDO:0100294, OMIM 252011.

Submissions (2):

Labcorp Genetics (formerly Invitae), Labcorp
Classification: Pathogenic for Pheochromocytoma/paraganglioma syndrome 5; Mitochondrial complex II deficiency, nuclear type 1. Last evaluated: 2026-01-18. Review status: criteria provided, single submitter. Criteria: Invitae Variant Classification Sherloc (09022015). Collection method: clinical testing. Allele origin: germline.
Comment: This sequence change creates a premature translational stop signal (p.Ser199Tyrfs*26) in the SDHA gene. It is expected to result in an absent or disrupted protein product. Loss-of-function variants in SDHA are known to be pathogenic (PMID: 22974104, 24781757). This variant is not present in population databases (gnomAD no frequency). This variant has not been reported in the literature in individuals affected with SDHA-related conditions. ClinVar contains an entry for this variant (Variation ID: 3148642). For these reasons, this variant has been classified as Pathogenic.

Myriad Genetics, Inc.
Classification: Pathogenic for Pheochromocytoma/paraganglioma syndrome 5. Last evaluated: 2024-02-07. Review status: criteria provided, single submitter. Criteria: Myriad Autosomal Dominant, Autosomal Recessive and X-Linked Classification Criteria (2023). Collection method: clinical testing. Allele origin: unknown.
Comment: This variant is considered pathogenic. This variant creates a frameshift predicted to result in premature protein truncation.

Literature cited by the submitters: PubMed 22974104 (cited by Labcorp Genetics (formerly Invitae), Labcorp); PubMed 24781757 (cited by Labcorp Genetics (formerly Invitae), Labcorp).

NM_004168.4(SDHA):c.596_599del (p.Ser199fs)

Gene: SDHA (succinate dehydrogenase complex flavoprotein subunit A; plus strand). Cytogenetic location: 5p15.33.
Variant type: Deletion.
Coding change: c.596_599del on transcript NM_004168.4 (MANE Select); coding-DNA positions 596 to 599, 4 bases deleted (CGCT; older notation c.596_599delCGCT).
Protein change: p.Ser199fs; shifts the reading frame from serine 199.
Molecular consequence: frameshift variant.
Genome position (GRCh38, 1-based): chr5:226,022-226,025, CGCT deleted; deleting any 4 consecutive bases within chr5:226,020-226,025 gives the same sequence; the c. name uses the placement nearest the transcript's 3' end. VCF-style (leftmost placement, unchanged base first): chr5-226019-ACTCG-A. GRCh37 (hg19) VCF-style: chr5-226134-ACTCG-A.
Other names: c.452_455del, p.Ser151fs (NM_001294332.2); c.596_599del, p.Ser199fs (NM_001330758.2); short protein forms S199fs, S151fs.
Identifiers: ClinVar variation 3148642 (VCV003148642.2), dbSNP rs2477300874, ClinGen allele CA2825001402.